The following is an entry in ClinVar:

ClinVar aggregate classification (germline): Pathogenic (1 of 4 stars; one submission).

Conditions:
Autism spectrum disorder - epilepsy - arthrogryposis syndrome (AMRS). Identifiers: Orphanet 370943, MedGen C3809910, MONDO:0014248, OMIM 615553.

Submission:

Labcorp Genetics (formerly Invitae), Labcorp
Classification: Pathogenic for Autism spectrum disorder - epilepsy - arthrogryposis syndrome. Last evaluated: 2023-07-06. Review status: criteria provided, single submitter. Criteria: Invitae Variant Classification Sherloc (09022015). Collection method: clinical testing. Allele origin: germline.
Comment: For these reasons, this variant has been classified as Pathogenic. This variant has not been reported in the literature in individuals affected with SLC35A3-related conditions. This variant is present in population databases (rs750206820, gnomAD 0.004%). This sequence change creates a premature translational stop signal (p.Leu197Lysfs*30) in the SLC35A3 gene. It is expected to result in an absent or disrupted protein product. Loss-of-function variants in SLC35A3 are known to be pathogenic (PMID: 24031089, 28328131).

Literature cited by the submitters: PubMed 24031089; PubMed 28328131.

NM_012243.3(SLC35A3):c.588_589del (p.Leu197fs)

Gene: SLC35A3 (solute carrier family 35 member A3; plus strand). Cytogenetic location: 1p21.2.
Variant type: Deletion.
Coding change: c.588_589del on transcript NM_012243.3 (MANE Select); coding-DNA positions 588 to 589, 2 bases deleted (CT; older notation c.588_589delCT).
Protein change: p.Leu197fs; shifts the reading frame from leucine 197.
Molecular consequence: frameshift variant.
Genome position (GRCh38, 1-based): chr1:100,011,487-100,011,488, CT deleted; deleting any 2 consecutive bases within chr1:100,011,486-100,011,488 gives the same sequence; the c. name uses the placement nearest the transcript's 3' end. VCF-style (leftmost placement, unchanged base first): chr1-100011485-ATC-A. GRCh37 (hg19) VCF-style: chr1-100477041-ATC-A.
Other names: c.588_589del, p.Leu197fs (NM_001271684.2); c.714_715del, p.Leu239fs (NM_001271685.2); short protein forms L197fs, L239fs.
Identifiers: ClinVar variation 2736290 (VCV002736290.3), dbSNP rs750206820, ClinGen allele CA967619.